The following is an entry in ClinVar:

ClinVar aggregate classification (germline): Uncertain significance (1 of 4 stars; one submission).

Allele frequency attached by ClinVar (database versions not stated): gnomAD exomes below 0.00001; gnomAD 0.00001; TOPMed 0.00001.
gnomAD v4.1: 6 of 1,613,848 alleles (0.00037%); highest among the groups gnomAD compares: Non-Finnish European, 0.00051%; no homozygotes.

Submission:

GeneDx
Classification: Uncertain significance. Last evaluated: 2022-08-24. Review status: criteria provided, single submitter. Criteria: GeneDx Variant Classification Process June 2021. Collection method: clinical testing. Allele origin: germline. Affected: yes.
Comment: In silico analysis supports that this missense variant has a deleterious effect on protein structure/function; Has not been previously published as pathogenic or benign to our knowledge

NM_000969.5(RPL5):c.68G>A (p.Arg23Gln)

Genes: DIPK1A (divergent protein kinase domain 1A; minus strand), RPL5 (ribosomal protein L5; plus strand). Cytogenetic location: 1p22.1.
Variant type: single nucleotide variant.
Coding change: c.68G>A on transcript NM_000969.5 (MANE Select); coding-DNA position 68, G replaced by A.
Protein change: p.Arg23Gln; replaces arginine 23 with glutamine.
Molecular consequence: missense variant. On other transcripts: non-coding transcript variant (1), intron variant (1).
Genome position (GRCh38, 1-based): chr1:92,833,453, G>A. VCF-style: chr1-92833453-G-A. GRCh37 (hg19) VCF-style: chr1-93299010-G-A.
Other names: c.475-419C>T (NM_001252273.2); short protein forms R23Q.
Identifiers: ClinVar variation 2430596 (VCV002430596.1), dbSNP rs1182717955, ClinGen allele CA341240778.
Genomic context (GRCh38, chr1:92,833,453, plus strand): 5'-TTGTTAAAGTTGTTAAGAATAAGGCCTACTTTAAGAGATACCAAGTGAAATTTAGAAGAC[G>A]ACGAGGTACTGTCACCTTTTTGTGTTTACAATATTAATCTGCTTTGCAGATGCAGTGGAG-3'
Protein context (NP_000960.2, residues 13-33): FKRYQVKFRR[Arg23Gln]REGKTDYYAR